The following is an entry in ClinVar:

ClinVar aggregate classification (germline): Conflicting classifications of pathogenicity. Review status: criteria provided, conflicting classifications (1 of 4 stars). 7 submissions from 7 submitters: Uncertain significance (3); Benign (1); Likely benign (3). Last evaluated 2025-10-29.

Conditions:
Developmental and epileptic encephalopathy, 12 (DEE12). Identifiers: MedGen C3150988, MONDO:0013389, OMIM 613722.
Inborn genetic diseases. Identifiers: MedGen C0950123, MeSH D030342.
Microcephaly, seizures, and developmental delay. Identifiers: Orphanet 1934, MedGen C3150667, MONDO:0013254, OMIM 613402.

Allele frequency attached by ClinVar (database versions not stated): 1000 Genomes Project 30x 0.00016; 1000 Genomes Project 0.00020; gnomAD exomes 0.00020 and 0.00040; ExAC 0.00040.
gnomAD v4.1: 296 of 1,614,184 alleles (0.018%); highest among the groups gnomAD compares: South Asian, 0.32%; 3 homozygotes.

Submissions (7):

Labcorp Genetics (formerly Invitae), Labcorp
Classification: Benign for Developmental and epileptic encephalopathy, 12. Last evaluated: 2025-10-29. Review status: criteria provided, single submitter. Criteria: Invitae Variant Classification Sherloc (09022015). Collection method: clinical testing. Allele origin: germline.

CeGaT Center for Human Genetics Tuebingen
Classification: Likely benign. Last evaluated: 2023-01-01. Review status: criteria provided, single submitter. Criteria: CeGaT Center For Human Genetics Tuebingen Variant Classification Criteria Version 2. Collection method: clinical testing. Allele origin: germline. Affected: yes. Observed: 1 variant allele.
Comment: PNKP: BP4, BP7

GeneDx
Classification: Likely benign. Last evaluated: 2019-04-03. Review status: criteria provided, single submitter. Criteria: GeneDx Variant Classification Process June 2021. Collection method: clinical testing. Allele origin: germline. Affected: yes.

Illumina Laboratory Services, Illumina
Classification: Uncertain significance for Microcephaly, seizures, and developmental delay. Last evaluated: 2018-01-13. Review status: criteria provided, single submitter. Criteria: ICSL Variant Classification Criteria 13 December 2019. Collection method: clinical testing. Allele origin: germline.

Eurofins Ntd Llc (ga)
Classification: Uncertain significance. Last evaluated: 2016-12-01. Review status: criteria provided, single submitter. Criteria: EGL Classification Definitions 2015. Collection method: clinical testing. Allele origin: germline. Observed: 1 variant allele, 1 heterozygote.

Ambry Genetics
Classification: Likely benign for Inborn genetic diseases. Last evaluated: 2016-09-20. Review status: criteria provided, single submitter. Criteria: Ambry Variant Classification Scheme 2023. Collection method: clinical testing. Allele origin: germline.

Genetic Services Laboratory, University of Chicago
Classification: Uncertain significance. Last evaluated: 2014-10-09. Review status: criteria provided, single submitter. Criteria: ACMG Guidelines, 2015. Collection method: clinical testing. Allele origin: germline.

NM_007254.4(PNKP):c.627G>A (p.Glu209=)

Gene: PNKP (polynucleotide kinase 3'-phosphatase; minus strand). Cytogenetic location: 19q13.33.
Variant type: single nucleotide variant.
Coding change: c.627G>A on transcript NM_007254.4 (MANE Select); coding-DNA position 627, G replaced by A.
Protein change: p.Glu209=; no amino-acid change (glutamic acid 209 retained).
Molecular consequence: synonymous variant.
Genome position (GRCh38, 1-based): chr19:49,864,188, C>T on the plus strand (G>A on the coding strand, the complement: PNKP is on the minus strand). VCF-style: chr19-49864188-C-T. GRCh37 (hg19) VCF-style: chr19-50367445-C-T.
Identifiers: ClinVar variation 211922 (VCV000211922.53), dbSNP rs532550120, ClinGen allele CA209423.